The following is an entry in ClinVar:

ClinVar aggregate classification (germline): Uncertain significance (1 of 4 stars; one submission).

Conditions:
PTCH1-related disorder. Also called: PTCH1-related disorders; PTCH1-related condition.

Submission:

PreventionGenetics, part of Exact Sciences
Classification: Uncertain significance for PTCH1-related condition. Last evaluated: 2023-05-19. Review status: criteria provided, single submitter. Criteria: ACMG Guidelines, 2015. Collection method: clinical testing. Allele origin: germline.
Comment: The PTCH1 c.511A>G variant is predicted to result in the amino acid substitution p.Thr171Ala. To our knowledge, this variant has not been reported in the literature or in a large population database, indicating this variant is rare. At this time, the clinical significance of this variant is uncertain due to the absence of conclusive functional and genetic evidence.

NM_000264.5(PTCH1):c.511A>G (p.Thr171Ala)

Gene: PTCH1 (patched 1; minus strand). Cytogenetic location: 9q22.32.
Variant type: single nucleotide variant.
Coding change: c.511A>G on transcript NM_000264.5 (MANE Select); coding-DNA position 511, A replaced by G.
Protein change: p.Thr171Ala; replaces threonine 171 with alanine.
Molecular consequence: missense variant. On other transcripts: non-coding transcript variant (1).
Genome position (GRCh38, 1-based): chr9:95,485,758, T>C on the plus strand (A>G on the coding strand, the complement: PTCH1 is on the minus strand). VCF-style: chr9-95485758-T-C. GRCh37 (hg19) VCF-style: chr9-98248040-T-C.
Other names: c.313A>G, p.Thr105Ala (NM_001083602.3, NM_001354919.2); c.508A>G, p.Thr170Ala (NM_001083603.3); c.58A>G, p.Thr20Ala (NM_001083604.3, NM_001083605.3, NM_001083606.3 and 1 more transcripts); c.511A>G, p.Thr171Ala (NM_001354918.2); short protein forms T105A, T170A, T171A, T20A.
Identifiers: ClinVar variation 2632415 (VCV002632415.1), dbSNP rs2118542371, ClinGen allele CA374116859.